The following is an entry in ClinVar:

ClinVar aggregate classification (germline): Uncertain significance (1 of 4 stars; one submission).

Allele frequency attached by ClinVar (database versions not stated): ExAC 0.00010.

Submission:

Labcorp Genetics (formerly Invitae), Labcorp
Classification: Uncertain significance. Last evaluated: 2024-04-08. Review status: criteria provided, single submitter. Criteria: Invitae Variant Classification Sherloc (09022015). Collection method: clinical testing. Allele origin: germline.
Comment: This sequence change replaces glycine, which is neutral and non-polar, with arginine, which is basic and polar, at codon 194 of the THBD protein (p.Gly194Arg). This variant is present in population databases (rs765981917, gnomAD 0.002%). This variant has not been reported in the literature in individuals affected with THBD-related conditions. ClinVar contains an entry for this variant (Variation ID: 1973731). Advanced modeling of protein sequence and biophysical properties (such as structural, functional, and spatial information, amino acid conservation, physicochemical variation, residue mobility, and thermodynamic stability) performed at Invitae indicates that this missense variant is not expected to disrupt THBD protein function with a negative predictive value of 80%. In summary, the available evidence is currently insufficient to determine the role of this variant in disease. Therefore, it has been classified as a Variant of Uncertain Significance.

NM_000361.3(THBD):c.580G>C (p.Gly194Arg)

Gene: THBD (thrombomodulin; minus strand). Cytogenetic location: 20p11.21.
Variant type: single nucleotide variant.
Coding change: c.580G>C on transcript NM_000361.3 (MANE Select); coding-DNA position 580, G replaced by C.
Protein change: p.Gly194Arg; replaces glycine 194 with arginine.
Molecular consequence: missense variant.
Genome position (GRCh38, 1-based): chr20:23,048,925, C>G on the plus strand (G>C on the coding strand, the complement: THBD is on the minus strand). VCF-style: chr20-23048925-C-G. GRCh37 (hg19) VCF-style: chr20-23029562-C-G.
Other names: short protein forms G194R.
Identifiers: ClinVar variation 1973731 (VCV001973731.5), dbSNP rs765981917, ClinGen allele CA9787715.